The following is an entry in ClinVar:

NM_000069.3(CACNA1S):c.3025_3026del (p.Thr1009fs)

Gene: CACNA1S (calcium voltage-gated channel subunit alpha1 S; minus strand). Cytogenetic location: 1q32.1.
Variant type: Deletion.
Coding change: c.3025_3026del on transcript NM_000069.3 (MANE Select); coding-DNA positions 3025 to 3026, 2 bases deleted (AC; older notation c.3025_3026delAC).
Protein change: p.Thr1009fs; shifts the reading frame from threonine 1009.
Molecular consequence: frameshift variant.
Genome position (GRCh38, 1-based): chr1:201,061,971-201,061,972, GT deleted on the plus strand (AC on the coding strand, the reverse complement: CACNA1S is on the minus strand); deleting any 2 consecutive bases within chr1:201,061,971-201,061,973 gives the same sequence; the c. name uses the placement nearest the transcript's 3' end. VCF-style (leftmost placement, unchanged base first): chr1-201061970-CGT-C. GRCh37 (hg19) VCF-style: chr1-201031098-CGT-C.
Other names: short protein forms T1009fs.
Identifiers: ClinVar variation 862482 (VCV000862482.8), dbSNP rs1661065356, ClinGen allele CA916082104.
Genomic context (GRCh38, chr1:201,061,970, plus strand): 5'-TCCATGAGGGACCTAGGCCCCAGCCATCACTCACTGAGGCCATCCCTCGAAGGTGGAGAC[CGT>C]GAAGAGGGACATCATGGCTGAGAGCACATTGTCGAAGTGGAAGTCGCTGTGTACCCACTC-3'

ClinVar aggregate classification (germline): Pathogenic (1 of 4 stars; one submission).

Conditions:
Hypokalemic periodic paralysis, type 1. Also called: Hypokalemic Periodic Paralysis Type 1 (AD); HypoPP. Identifiers: Orphanet 681, MedGen C3714580, MONDO:0042979, OMIM 170400.
Malignant hyperthermia, susceptibility to, 5 (MHS5). Also called: CACNA1S-Related Malignant Hyperthermia Susceptibility. Identifiers: Orphanet 423, MedGen C1866077, MONDO:0011163, OMIM 601887.

Submission:

Labcorp Genetics (formerly Invitae), Labcorp
Classification: Pathogenic for Hypokalemic periodic paralysis, type 1; Malignant hyperthermia, susceptibility to, 5. Last evaluated: 2019-07-01. Review status: criteria provided, single submitter. Criteria: Invitae Variant Classification Sherloc (09022015). Collection method: clinical testing. Allele origin: germline.
Comment: This sequence change creates a premature translational stop signal (p.Thr1009Glyfs*66) in the CACNA1S gene. It is expected to result in an absent or disrupted protein product. This variant is not present in population databases (ExAC no frequency). This variant has not been reported in the literature in individuals with CACNA1S-related conditions. Loss-of-function variants in CACNA1S are known to be pathogenic (PMID: 26247046, 28012042). For these reasons, this variant has been classified as Pathogenic.

Literature cited by the submitters: PubMed 26247046; PubMed 28012042.